The following is an entry in ClinVar:

ClinVar aggregate classification (germline): Uncertain significance (1 of 4 stars; one submission).

Conditions:
Charcot-Marie-Tooth disease dominant intermediate F. Identifiers: Orphanet 352670, MedGen C4749463, MONDO:0014074, OMIM 615185.

Submission:

Labcorp Genetics (formerly Invitae), Labcorp
Classification: Uncertain significance for Charcot-Marie-Tooth disease dominant intermediate F. Last evaluated: 2022-09-17. Review status: criteria provided, single submitter. Criteria: Invitae Variant Classification Sherloc (09022015). Collection method: clinical testing. Allele origin: germline.
Comment: This sequence change replaces cysteine, which is neutral and slightly polar, with glycine, which is neutral and non-polar, at codon 25 of the GNB4 protein (p.Cys25Gly). This variant is not present in population databases (gnomAD no frequency). This variant has not been reported in the literature in individuals affected with GNB4-related conditions. Advanced modeling of protein sequence and biophysical properties (such as structural, functional, and spatial information, amino acid conservation, physicochemical variation, residue mobility, and thermodynamic stability) performed at Invitae indicates that this missense variant is not expected to disrupt GNB4 protein function. Algorithms developed to predict the effect of sequence changes on RNA splicing suggest that this variant may create or strengthen a splice site. In summary, the available evidence is currently insufficient to determine the role of this variant in disease. Therefore, it has been classified as a Variant of Uncertain Significance.

NM_021629.4(GNB4):c.73T>G (p.Cys25Gly)

Gene: GNB4 (G protein subunit beta 4; minus strand). Cytogenetic location: 3q26.33.
Variant type: single nucleotide variant.
Coding change: c.73T>G on transcript NM_021629.4 (MANE Select); coding-DNA position 73, T replaced by G.
Protein change: p.Cys25Gly; replaces cysteine 25 with glycine.
Molecular consequence: missense variant.
Genome position (GRCh38, 1-based): chr3:179,420,912, A>C on the plus strand (T>G on the coding strand, the complement: GNB4 is on the minus strand). VCF-style: chr3-179420912-A-C. GRCh37 (hg19) VCF-style: chr3-179138700-A-C.
Other names: short protein forms C25G.
Identifiers: ClinVar variation 1718983 (VCV001718983.5), dbSNP rs2473918969, ClinGen allele CA355471260.